The following is an entry in ClinVar:

ClinVar aggregate classification (germline): Uncertain significance. Review status: criteria provided, multiple submitters, no conflicts (2 of 4 stars). 2 submissions from 2 submitters: Uncertain significance (2). Last evaluated 2025-08-30.

Conditions:
Hereditary spastic paraplegia 45. Also called: SPASTIC PARAPLEGIA 45; Spastic paraplegia 45, autosomal recessive. Identifiers: Orphanet 320396, MedGen C3888209, MONDO:0013165, OMIM 613162.

Allele frequency attached by ClinVar (database versions not stated): TOPMed 0.00020; gnomAD 0.00015 and 0.00014; ExAC 0.00021; ESP Exome Variant Server 0.00062; gnomAD exomes 0.00018.
gnomAD v4.1: 570 of 1,607,780 alleles (0.035%); highest among the groups gnomAD compares: Non-Finnish European, 0.047%; 1 homozygote.

Submissions (2):

Mayo Clinic Laboratories, Mayo Clinic
Classification: Uncertain significance. Last evaluated: 2025-08-30. Review status: criteria provided, single submitter. Criteria: ACMG Guidelines, 2015. Collection method: clinical testing. Allele origin: germline. Observed: 1 variant allele.
Comment: BP4_moderate

Labcorp Genetics (formerly Invitae), Labcorp
Classification: Uncertain significance for Hereditary spastic paraplegia 45. Last evaluated: 2022-08-15. Review status: criteria provided, single submitter. Criteria: Invitae Variant Classification Sherloc (09022015). Collection method: clinical testing. Allele origin: germline.
Comment: This sequence change replaces glutamic acid, which is acidic and polar, with aspartic acid, which is acidic and polar, at codon 555 of the NT5C2 protein (p.Glu555Asp). This variant is present in population databases (rs141031435, gnomAD 0.04%). This variant has not been reported in the literature in individuals affected with NT5C2-related conditions. ClinVar contains an entry for this variant (Variation ID: 541766). Algorithms developed to predict the effect of missense changes on protein structure and function are either unavailable or do not agree on the potential impact of this missense change (SIFT: "Deleterious"; PolyPhen-2: "Benign"; Align-GVGD: "Class C0"). In summary, the available evidence is currently insufficient to determine the role of this variant in disease. Therefore, it has been classified as a Variant of Uncertain Significance.

NM_001351169.2(NT5C2):c.1665G>T (p.Glu555Asp)

Genes: CNNM2 (cyclin and CBS domain divalent metal cation transport mediator 2; plus strand), NT5C2 (5'-nucleotidase, cytosolic II; minus strand). Cytogenetic location: 10q24.32.
Variant type: single nucleotide variant.
Coding change: c.1665G>T on transcript NM_001351169.2 (MANE Select); coding-DNA position 1665, G replaced by T.
Protein change: p.Glu555Asp; replaces glutamic acid 555 with aspartic acid.
Molecular consequence: missense variant. On other transcripts: 3 prime UTR variant (2).
Genome position (GRCh38, 1-based): chr10:103,089,693, C>A on the plus strand (G>T on the coding strand, the complement: NT5C2 is on the minus strand). VCF-style: chr10-103089693-C-A. GRCh37 (hg19) VCF-style: chr10-104849450-C-A.
Other names: p.Glu555Asp; c.1665G>T, p.Glu555Asp (NM_001134373.3, NM_012229.5); c.1689G>T, p.Glu563Asp (NM_001351170.2, NM_001351171.2, NM_001351172.2 and 1 more transcripts); c.1578G>T, p.Glu526Asp (NM_001351174.1); c.1572G>T, p.Glu524Asp (NM_001351175.2); c.1092G>T, p.Glu364Asp (NM_001351176.2, NM_001351177.2, NM_001351178.2 and 16 more transcripts); c.951G>T, p.Glu317Asp (NM_001351196.2, NM_001351194.2, NM_001351195.2); c.*12513C>A (NM_017649.5, NM_199076.3); short protein forms E555D, E317D, E364D, E524D, E526D, E563D.
Identifiers: ClinVar variation 541766 (VCV000541766.5), dbSNP rs141031435, ClinGen allele CA5670703.
Genomic context (GRCh38, chr10:103,089,693, plus strand): 5'-GACTTGTTTAATGGGTGCTTGGGGTTTTGGTTTTCCTCCTTATTCTTCCTCCTCCTCCTC[C>A]TCTTCATCATCATCTTCGTCATGGCAGTGTGTAATTTCCTGGGGGGCCAGTGGGAAGAGG-3'
Protein context (NP_001338098.1, residues 545-561): THCHDEDDDE[Glu555Asp]EEEEEE